The following is an entry in ClinVar:

NM_139057.4(ADAMTS17):c.2350G>A (p.Val784Ile)

Gene: ADAMTS17 (ADAM metallopeptidase with thrombospondin type 1 motif 17; minus strand). Cytogenetic location: 15q26.3.
Variant type: single nucleotide variant.
Coding change: c.2350G>A on transcript NM_139057.4 (MANE Select); coding-DNA position 2350, G replaced by A.
Protein change: p.Val784Ile; replaces valine 784 with isoleucine.
Molecular consequence: missense variant.
Genome position (GRCh38, 1-based): chr15:100,051,677, C>T on the plus strand (G>A on the coding strand, the complement: ADAMTS17 is on the minus strand). VCF-style: chr15-100051677-C-T. GRCh37 (hg19) VCF-style: chr15-100591882-C-T.
Other names: c.2350G>A (NM_139057.2); short protein forms V784I.
Identifiers: ClinVar variation 1354079 (VCV001354079.7), dbSNP rs1369804350, ClinGen allele CA393693169.
Genomic context (GRCh38, chr15:100,051,677, plus strand): 5'-AGATGAACAAAGAGTCCTGCGGTTTTTCTGGTTCGCTTTGATTTTCCGCAGTGCGGTTTA[C>T]AGGAACAGTGTATTCATAATGAATTCCATAATCTTGGTCGTGAAATAACAACACCTGGAT-3'
Protein context (NP_620688.2, residues 774-794): YGIHYEYTVP[Val784Ile]NRTAENQSEP

ClinVar aggregate classification (germline): Uncertain significance. Review status: criteria provided, multiple submitters, no conflicts (2 of 4 stars). 2 submissions from 2 submitters: Uncertain significance (2). Last evaluated 2025-08-08.

Conditions:
Inborn genetic diseases. Identifiers: MedGen C0950123, MeSH D030342.

Allele frequency attached by ClinVar (database versions not stated): gnomAD exomes 0.00001.
gnomAD v4.1: 19 of 1,614,186 alleles (0.0012%); highest among the groups gnomAD compares: Middle Eastern, 0.033%; no homozygotes.

Submissions (2):

Labcorp Genetics (formerly Invitae), Labcorp
Classification: Uncertain significance. Last evaluated: 2025-08-08. Review status: criteria provided, single submitter. Criteria: Invitae Variant Classification Sherloc (09022015). Collection method: clinical testing. Allele origin: germline.
Comment: This sequence change replaces valine, which is neutral and non-polar, with isoleucine, which is neutral and non-polar, at codon 784 of the ADAMTS17 protein (p.Val784Ile). This variant is present in population databases (no rsID available, gnomAD 0.003%). This variant has not been reported in the literature in individuals affected with ADAMTS17-related conditions. ClinVar contains an entry for this variant (Variation ID: 1354079). An algorithm developed to predict the effect of missense changes on protein structure and function (PolyPhen-2) suggests that this variant is likely to be disruptive. In summary, the available evidence is currently insufficient to determine the role of this variant in disease. Therefore, it has been classified as a Variant of Uncertain Significance.

Ambry Genetics
Classification: Uncertain significance for Inborn genetic diseases. Last evaluated: 2022-11-21. Review status: criteria provided, single submitter. Criteria: Ambry Variant Classification Scheme 2023. Collection method: clinical testing. Allele origin: germline.